The following is an entry in ClinVar:

ClinVar aggregate classification (germline): Uncertain significance. Review status: criteria provided, multiple submitters, no conflicts (2 of 4 stars). 4 submissions from 4 submitters: Uncertain significance (4). Last evaluated 2025-04-16.

Conditions:
Primary ciliary dyskinesia. Also called: Ciliary dyskinesia. Identifiers: Orphanet 244, MedGen C0008780, MONDO:0016575, HP:0012265.

Allele frequency attached by ClinVar (database versions not stated): TOPMed 0.00001; ExAC 0.00002.
gnomAD v4.1: 18 of 1,613,994 alleles (0.0011%); highest among the groups gnomAD compares: Middle Eastern, 0.016%; no homozygotes.

Submissions (4):

Labcorp Genetics (formerly Invitae), Labcorp
Classification: Uncertain significance for Primary ciliary dyskinesia. Last evaluated: 2025-04-16. Review status: criteria provided, single submitter. Criteria: Invitae Variant Classification Sherloc (09022015). Collection method: clinical testing. Allele origin: germline.
Comment: This sequence change replaces glutamic acid, which is acidic and polar, with glycine, which is neutral and non-polar, at codon 129 of the RSPH9 protein (p.Glu129Gly). This variant is present in population databases (rs751900140, gnomAD 0.01%). This variant has not been reported in the literature in individuals affected with RSPH9-related conditions. ClinVar contains an entry for this variant (Variation ID: 2063036). An algorithm developed to predict the effect of missense changes on protein structure and function (PolyPhen-2) suggests that this variant is likely to be tolerated. In summary, the available evidence is currently insufficient to determine the role of this variant in disease. Therefore, it has been classified as a Variant of Uncertain Significance.

Mayo Clinic Laboratories, Mayo Clinic
Classification: Uncertain significance. Last evaluated: 2025-03-06. Review status: criteria provided, single submitter. Criteria: ACMG Guidelines, 2015. Collection method: clinical testing. Allele origin: germline. Observed: 1 variant allele.
Comment: BP4_moderate

Ambry Genetics
Classification: Uncertain significance for Primary ciliary dyskinesia. Last evaluated: 2021-09-27. Review status: criteria provided, single submitter. Criteria: Ambry Variant Classification Scheme 2023. Collection method: clinical testing. Allele origin: germline.

Blueprint Genetics
Classification: Uncertain significance. Last evaluated: 2021-05-21. Review status: criteria provided, single submitter. Criteria: ACMG Guidelines, 2015. Collection method: clinical testing. Allele origin: germline.

NM_152732.5(RSPH9):c.386A>G (p.Glu129Gly)

Gene: RSPH9 (radial spoke head component 9; plus strand). Cytogenetic location: 6p21.1.
Variant type: single nucleotide variant.
Coding change: c.386A>G on transcript NM_152732.5 (MANE Select); coding-DNA position 386, A replaced by G.
Protein change: p.Glu129Gly; replaces glutamic acid 129 with glycine.
Molecular consequence: missense variant. On other transcripts: non-coding transcript variant (1).
Genome position (GRCh38, 1-based): chr6:43,650,533, A>G. VCF-style: chr6-43650533-A-G. GRCh37 (hg19) VCF-style: chr6-43618270-A-G.
Other names: p.Glu129Gly; c.386A>G, p.Glu129Gly (NM_001193341.2, NM_001424119.1, NM_001424120.1 and 1 more transcripts); short protein forms E129G.
Identifiers: ClinVar variation 2063036 (VCV002063036.5), dbSNP rs751900140, ClinGen allele CA3828283.
Genomic context (GRCh38, chr6:43,650,533, plus strand): 5'-ACGAATATGAACACACTGAGCTGCAGAAGGTGAATGAAGGTGAAAAAGTCTTTGAAGAAG[A>G]AATAGTGGTGAGTGAAGAGGAGAGCAGGAGGAGGGCCTAAAAGAGAGCCTGGGCTCATCC-3'
Protein context (NP_689945.2, residues 119-139): VNEGEKVFEE[Glu129Gly]IVVQIKEETR